The following is an entry in ClinVar:

NM_001276345.2(TNNT2):c.319A>G (p.Lys107Glu)

Gene: TNNT2 (troponin T2, cardiac type; minus strand). Cytogenetic location: 1q32.1.
Variant type: single nucleotide variant.
Coding change: c.319A>G on transcript NM_001276345.2 (MANE Select); coding-DNA position 319, A replaced by G.
Protein change: p.Lys107Glu; replaces lysine 107 with glutamic acid.
Molecular consequence: missense variant. On other transcripts: intron variant (1).
Genome position (GRCh38, 1-based): chr1:201,365,283, T>C on the plus strand (A>G on the coding strand, the complement: TNNT2 is on the minus strand). VCF-style: chr1-201365283-T-C. GRCh37 (hg19) VCF-style: chr1-201334411-T-C.
Other names: c.319A>G, p.Lys107Glu (NM_000364.4); c.289A>G, p.Lys97Glu (NM_001001430.3, NM_001001431.3, NM_001276347.2); c.274A>G, p.Lys92Glu (NM_001001432.3); c.291+327A>G (NM_001276346.2); short protein forms K97E, K107E, K92E.
Identifiers: ClinVar variation 836384 (VCV000836384.9), dbSNP rs1659444898, ClinGen allele CA344206524.
Genomic context (GRCh38, chr1:201,365,283, plus strand): 5'-CCTCTTTCTTCCTGTTCTCAAAGTGAGCCTCGATCAGCGCCTGCAACTCATTCAGGTCCT[T>C]CTCCATGCGCTTCCGGTGGATGTCCTGTGGGTGGACCGCTGCGGCTCAGAGGCTGCCACT-3'
Protein context (NP_001263274.1, residues 97-117): FDDIHRKRME[Lys107Glu]DLNELQALIE

ClinVar aggregate classification (germline): Uncertain significance (1 of 4 stars; one submission).

Conditions:
Hypertrophic cardiomyopathy 2. Also called: TNNT2-Related Familial Hypertrophic Cardiomyopathy. Identifiers: MedGen C1861864, MONDO:0007266, OMIM 115195.
Dilated cardiomyopathy 1D. Identifiers: Orphanet 154, Orphanet 54260, MedGen C1832243, MONDO:0011095, OMIM 601494.
Cardiomyopathy, familial restrictive, 3. Identifiers: Orphanet 75249, MedGen C2676271, MONDO:0012900, OMIM 612422.

Submission:

Labcorp Genetics (formerly Invitae), Labcorp
Classification: Uncertain significance for Cardiomyopathy, familial restrictive, 3; Hypertrophic cardiomyopathy 2; Dilated cardiomyopathy 1D. Last evaluated: 2019-11-19. Review status: criteria provided, single submitter. Criteria: Invitae Variant Classification Sherloc (09022015). Collection method: clinical testing. Allele origin: germline.
Comment: This sequence change replaces lysine with glutamic acid at codon 97 of the TNNT2 protein (p.Lys97Glu). The lysine residue is highly conserved and there is a small physicochemical difference between lysine and glutamic acid. This variant is not present in population databases (ExAC no frequency). This variant has not been reported in the literature in individuals with TNNT2-related conditions. Algorithms developed to predict the effect of missense changes on protein structure and function are either unavailable or do not agree on the potential impact of this missense change (SIFT: "Tolerated"; PolyPhen-2: "Probably Damaging"; Align-GVGD: "Class C0"). In summary, the available evidence is currently insufficient to determine the role of this variant in disease. Therefore, it has been classified as a Variant of Uncertain Significance.